The following is an entry in ClinVar:

NM_005228.5(EGFR):c.2062-3C>A

Gene: EGFR (epidermal growth factor receptor; plus strand). Cytogenetic location: 7p11.2.
Variant type: single nucleotide variant.
Coding change: c.2062-3C>A on transcript NM_005228.5 (MANE Select); 3 bases into the intron before coding-DNA position 2062, C replaced by A.
Molecular consequence: intron variant.
Genome position (GRCh38, 1-based): chr7:55,173,918, C>A. VCF-style: chr7-55173918-C-A. GRCh37 (hg19) VCF-style: chr7-55241611-C-A.
Other names: c.1927-3C>A (NM_001346899.2, NM_001346897.2); c.1261-3C>A (NM_001346941.2); c.2062-3C>A (NM_001346898.2); c.1903-3C>A (NM_001346900.2).
Identifiers: ClinVar variation 971385 (VCV000971385.11), dbSNP rs778075962, ClinGen allele CA1101517901.

ClinVar aggregate classification (germline): Uncertain significance. Review status: criteria provided, multiple submitters, no conflicts (2 of 4 stars). 2 submissions from 2 submitters: Uncertain significance (2). Last evaluated 2025-12-17.

Conditions:
Hereditary cancer-predisposing syndrome. Also called: Neoplastic Syndromes, Hereditary; Hereditary Cancer Syndrome; Tumor predisposition; Hereditary neoplastic syndrome. Identifiers: Orphanet 140162, MedGen C0027672, MeSH D009386, MONDO:0015356.
EGFR-related lung cancer (EGFR). Identifiers: MedGen CN130014.

gnomAD v4.1: 2 of 1,614,148 alleles (0.00012%); highest among the groups gnomAD compares: Admixed American, 0.0017%; no homozygotes.

Submissions (2):

Labcorp Genetics (formerly Invitae), Labcorp
Classification: Uncertain significance for EGFR-related lung cancer. Last evaluated: 2025-12-17. Review status: criteria provided, single submitter. Criteria: Invitae Variant Classification Sherloc (09022015). Collection method: clinical testing. Allele origin: germline.
Comment: This sequence change falls in intron 17 of the EGFR gene. It does not directly change the encoded amino acid sequence of the EGFR protein. It affects a nucleotide within the consensus splice site. This variant is not present in population databases (gnomAD no frequency). This variant has not been reported in the literature in individuals affected with EGFR-related conditions. ClinVar contains an entry for this variant (Variation ID: 971385). Variants that disrupt the consensus splice site are a relatively common cause of aberrant splicing (PMID: 17576681, 9536098). Algorithms developed to predict the effect of sequence changes on RNA splicing suggest that this variant is not likely to affect RNA splicing. In summary, the available evidence is currently insufficient to determine the role of this variant in disease. Therefore, it has been classified as a Variant of Uncertain Significance.

Ambry Genetics
Classification: Uncertain significance for Hereditary cancer-predisposing syndrome. Last evaluated: 2025-01-14. Review status: criteria provided, single submitter. Criteria: Ambry Variant Classification Scheme 2023. Collection method: clinical testing. Allele origin: germline.
Comment: The c.2062-3C>A intronic variant results from a C to A substitution 3 nucleotides upstream from coding exon 18 in the EGFR gene. This nucleotide position is well conserved in available vertebrate species. In silico splice site analysis predicts that this alteration will not have any significant effect on splicing. Based on the available evidence, the clinical significance of this variant remains unclear.

Literature cited by the submitters: PubMed 17576681 (cited by Labcorp Genetics (formerly Invitae), Labcorp); PubMed 9536098 (cited by Labcorp Genetics (formerly Invitae), Labcorp).